The following is an entry in ClinVar:

NM_001379286.1(ZNF423):c.376A>T (p.Met126Leu)

Gene: ZNF423 (zinc finger protein 423; minus strand). Cytogenetic location: 16q12.1.
Variant type: single nucleotide variant.
Coding change: c.376A>T on transcript NM_001379286.1 (MANE Select); coding-DNA position 376, A replaced by T.
Protein change: p.Met126Leu; replaces methionine 126 with leucine.
Molecular consequence: missense variant. On other transcripts: initiator codon variant (1).
Genome position (GRCh38, 1-based): chr16:49,638,800, T>A on the plus strand (A>T on the coding strand, the complement: ZNF423 is on the minus strand). VCF-style: chr16-49638800-T-A. GRCh37 (hg19) VCF-style: chr16-49672711-T-A.
Other names: c.172A>T, p.Met58Leu (NM_001271620.2); c.1A>T, p.Met1Leu (NM_001330533.2); c.352A>T, p.Met118Leu (NM_015069.5); c.1A>T (NM_001330533.1); short protein forms M58L, M1L, M118L, M126L.
Identifiers: ClinVar variation 1519217 (VCV001519217.7), dbSNP rs150427822, ClinGen allele CA281213783.

ClinVar aggregate classification (germline): Uncertain significance. Review status: criteria provided, multiple submitters, no conflicts (2 of 4 stars). 2 submissions from 2 submitters: Uncertain significance (2). Last evaluated 2026-06-01.

Conditions:
Nephronophthisis 14 (NPHP14). Identifiers: Orphanet 2318, MedGen C3539071, MONDO:0013916, OMIM 614844.
ZNF423-related disorder. Also called: ZNF423-related condition.

Allele frequency attached by ClinVar (database versions not stated): ESP Exome Variant Server 0.00008.

Submissions (2):

PreventionGenetics, part of Exact Sciences
Classification: Uncertain significance for ZNF423-related condition. Last evaluated: 2026-06-01. Review status: criteria provided, single submitter. Criteria: ACMG Guidelines, 2015. Collection method: clinical testing. Allele origin: germline.
Comment: The ZNF423 c.1A>T variant is predicted to disrupt the translation initiation site (Start Loss). To our knowledge, this variant has not been reported in the literature. This variant is reported in 0.0026% of alleles in individuals of European (Non-Finnish) descent in gnomAD. At this time, the clinical significance of this variant is uncertain due to the absence of conclusive functional and genetic evidence.

Labcorp Genetics (formerly Invitae), Labcorp
Classification: Uncertain significance for Nephronophthisis 14. Last evaluated: 2026-01-19. Review status: criteria provided, single submitter. Criteria: Invitae Variant Classification Sherloc (09022015). Collection method: clinical testing. Allele origin: germline.
Comment: This sequence change replaces methionine, which is neutral and non-polar, with leucine, which is neutral and non-polar, at codon 118 of the ZNF423 protein (p.Met118Leu). This variant is present in population databases (rs150427822, gnomAD 0.002%). This variant has not been reported in the literature in individuals affected with ZNF423-related conditions. ClinVar contains an entry for this variant (Variation ID: 1519217). An algorithm developed to predict the effect of missense changes on protein structure and function (PolyPhen-2) suggests that this variant is likely to be tolerated. In summary, the available evidence is currently insufficient to determine the role of this variant in disease. Therefore, it has been classified as a Variant of Uncertain Significance.